The following is an entry in ClinVar:

NM_170754.4(TNS2):c.4149C>T (p.Leu1383=)

Gene: TNS2 (tensin 2; plus strand). Cytogenetic location: 12q13.13.
Variant type: single nucleotide variant.
Coding change: c.4149C>T on transcript NM_170754.4 (MANE Select); coding-DNA position 4149, C replaced by T.
Protein change: p.Leu1383=; no amino-acid change (leucine 1383 retained).
Molecular consequence: synonymous variant.
Genome position (GRCh38, 1-based): chr12:53,063,801, C>T. VCF-style: chr12-53063801-C-T. GRCh37 (hg19) VCF-style: chr12-53457585-C-T.
Other names: c.4149C>T, p.Leu1383= (NM_001416202.1); c.4107C>T, p.Leu1369= (NM_001416203.1); c.4176C>T, p.Leu1392= (NM_001416204.1); c.4080C>T, p.Leu1360= (NM_015319.3); c.3777C>T, p.Leu1259= (NM_198316.2).
Identifiers: ClinVar variation 783035 (VCV000783035.18), dbSNP rs117928258, ClinGen allele CA6593122.

ClinVar aggregate classification (germline): Benign/Likely benign. Review status: criteria provided, multiple submitters, no conflicts (2 of 4 stars). 4 submissions from 4 submitters: Benign (2); Likely benign (1). 1 of the submissions does not count toward it. Last evaluated 2026-01-31.

Conditions:
TNS2-related disorder. Also called: TNS2-related condition.

Allele frequency attached by ClinVar (database versions not stated): 1000 Genomes Project 30x 0.00281; 1000 Genomes Project 0.00319; TOPMed 0.00488; ExAC 0.00588; ESP Exome Variant Server 0.00592; gnomAD exomes 0.00677 and 0.00893; gnomAD 0.00716 and 0.00746.

Submissions (4):

Labcorp Genetics (formerly Invitae), Labcorp
Classification: Benign. Last evaluated: 2026-01-31. Review status: criteria provided, single submitter. Criteria: Invitae Variant Classification Sherloc (09022015). Collection method: clinical testing. Allele origin: germline.

CeGaT Center for Human Genetics Tuebingen
Classification: Likely benign. Last evaluated: 2025-04-01. Review status: criteria provided, single submitter. Criteria: CeGaT Center For Human Genetics Tuebingen Variant Classification Criteria Version 2. Collection method: clinical testing. Allele origin: germline. Affected: yes. Observed: 1 variant allele.
Comment: TNS2: BP4, BP7, BS2

Breakthrough Genomics
Classification: Benign. Review status: criteria provided, single submitter. Criteria: ACMG Guidelines, 2015. Collection method: not provided. Allele origin: germline. Inheritance: Unknown mechanism. Affected: yes.

PreventionGenetics, part of Exact Sciences
Classification: Likely benign for TNS2-related condition. Last evaluated: 2019-04-01. Review status: no assertion criteria provided. Collection method: clinical testing. Allele origin: germline. Not counted in ClinVar's aggregate classification.
Comment: This variant is classified as likely benign based on ACMG/AMP sequence variant interpretation guidelines (Richards et al. 2015 PMID: 25741868, with internal and published modifications).